The following is an entry in ClinVar:

NM_004304.5(ALK):c.4031G>C (p.Ser1344Thr)

Gene: ALK (ALK receptor tyrosine kinase; minus strand). Cytogenetic location: 2p23.2.
Variant type: single nucleotide variant.
Coding change: c.4031G>C on transcript NM_004304.5 (MANE Select); coding-DNA position 4031, G replaced by C.
Protein change: p.Ser1344Thr; replaces serine 1344 with threonine.
Molecular consequence: missense variant.
Genome position (GRCh38, 1-based): chr2:29,197,584, C>G on the plus strand (G>C on the coding strand, the complement: ALK is on the minus strand). VCF-style: chr2-29197584-C-G. GRCh37 (hg19) VCF-style: chr2-29420450-C-G.
Other names: c.827G>C, p.Ser276Thr (NM_001353765.2); short protein forms S1344T, S276T.
Identifiers: ClinVar variation 1737211 (VCV001737211.3), dbSNP rs2148143344, ClinGen allele CA346465999.

ClinVar aggregate classification (germline): Uncertain significance (1 of 4 stars; one submission).

Conditions:
Hereditary cancer-predisposing syndrome. Also called: Neoplastic Syndromes, Hereditary; Tumor predisposition; Hereditary Cancer Syndrome; Hereditary neoplastic syndrome. Identifiers: Orphanet 140162, MedGen C0027672, MeSH D009386, MONDO:0015356.

Submission:

Ambry Genetics
Classification: Uncertain significance for Hereditary cancer-predisposing syndrome. Last evaluated: 2025-07-09. Review status: criteria provided, single submitter. Criteria: Ambry Variant Classification Scheme 2023. Collection method: clinical testing. Allele origin: germline.
Comment: The p.S1344T variant (also known as c.4031G>C), located in coding exon 27 of the ALK gene, results from a G to C substitution at nucleotide position 4031. The serine at codon 1344 is replaced by threonine, an amino acid with similar properties. This amino acid position is not well conserved in available vertebrate species. In addition, this alteration is predicted to be tolerated by in silico analysis. Based on the available evidence, the clinical significance of this variant remains unclear.